The following is an entry in ClinVar:

ClinVar aggregate classification (germline): Uncertain significance (1 of 4 stars; one submission).

Conditions:
Hereditary cancer-predisposing syndrome. Also called: Hereditary Cancer Syndrome; Hereditary neoplastic syndrome; Neoplastic Syndromes, Hereditary; Tumor predisposition. Identifiers: Orphanet 140162, MedGen C0027672, MeSH D009386, MONDO:0015356.

Submission:

Ambry Genetics
Classification: Uncertain significance for Hereditary cancer-predisposing syndrome. Last evaluated: 2022-04-22. Review status: criteria provided, single submitter. Criteria: Ambry Variant Classification Scheme 2023. Collection method: clinical testing. Allele origin: germline.
Comment: The p.Q332E variant (also known as c.994C>G), located in coding exon 3 of the AXIN2 gene, results from a C to G substitution at nucleotide position 994. The glutamine at codon 332 is replaced by glutamic acid, an amino acid with highly similar properties. This amino acid position is conserved. In addition, the in silico prediction for this alteration is inconclusive. Since supporting evidence is limited at this time, the clinical significance of this alteration remains unclear.

NM_004655.4(AXIN2):c.994C>G (p.Gln332Glu)

Gene: AXIN2 (axin 2; minus strand). Cytogenetic location: 17q24.1.
Variant type: single nucleotide variant.
Coding change: c.994C>G on transcript NM_004655.4 (MANE Select); coding-DNA position 994, C replaced by G.
Protein change: p.Gln332Glu; replaces glutamine 332 with glutamic acid.
Molecular consequence: missense variant.
Genome position (GRCh38, 1-based): chr17:65,541,520, G>C on the plus strand (C>G on the coding strand, the complement: AXIN2 is on the minus strand). VCF-style: chr17-65541520-G-C. GRCh37 (hg19) VCF-style: chr17-63537638-G-C.
Other names: c.994C>G, p.Gln332Glu (NM_001363813.1); short protein forms Q332E.
Identifiers: ClinVar variation 1768693 (VCV001768693.2), dbSNP rs1020958689, ClinGen allele CA400679322.